The following is an entry in ClinVar:

ClinVar aggregate classification (germline): Uncertain significance. Review status: criteria provided, multiple submitters, no conflicts (2 of 4 stars). 2 submissions from 2 submitters: Uncertain significance (2). Last evaluated 2025-08-17.

Conditions:
Hereditary cancer-predisposing syndrome. Also called: Tumor predisposition; Hereditary neoplastic syndrome; Neoplastic Syndromes, Hereditary; Hereditary Cancer Syndrome. Identifiers: Orphanet 140162, MedGen C0027672, MeSH D009386, MONDO:0015356.
Retinoblastoma (RB1). Also called: RETINOBLASTOMA, SOMATIC. Identifiers: Orphanet 790, MedGen C0035335, MeSH D012175, MONDO:0008380, OMIM 180200, HP:0009919. Disease mechanism: loss of function. Inheritance: Both sporadic and heritable forms are tested..

Allele frequency attached by ClinVar (database versions not stated): gnomAD exomes below 0.00001.
gnomAD v4.1: 4 of 1,614,206 alleles (0.00025%); highest among the groups gnomAD compares: South Asian, 0.0011%; no homozygotes.

Submissions (2):

Labcorp Genetics (formerly Invitae), Labcorp
Classification: Uncertain significance for Retinoblastoma. Last evaluated: 2025-08-17. Review status: criteria provided, single submitter. Criteria: Invitae Variant Classification Sherloc (09022015). Collection method: clinical testing. Allele origin: germline.
Comment: This sequence change replaces serine, which is neutral and polar, with cysteine, which is neutral and slightly polar, at codon 646 of the RB1 protein (p.Ser646Cys). This variant is present in population databases (no rsID available, gnomAD 0.0009%). This variant has not been reported in the literature in individuals affected with RB1-related conditions. ClinVar contains an entry for this variant (Variation ID: 1496804). Invitae Evidence Modeling of protein sequence and biophysical properties (such as structural, functional, and spatial information, amino acid conservation, physicochemical variation, residue mobility, and thermodynamic stability) indicates that this missense variant is expected to disrupt RB1 protein function with a positive predictive value of 80%. In summary, the available evidence is currently insufficient to determine the role of this variant in disease. Therefore, it has been classified as a Variant of Uncertain Significance.

Ambry Genetics
Classification: Uncertain significance for Hereditary cancer-predisposing syndrome. Last evaluated: 2025-01-31. Review status: criteria provided, single submitter. Criteria: Ambry Variant Classification Scheme 2023. Collection method: clinical testing. Allele origin: germline.
Comment: The p.S646C variant (also known as c.1937C>G), located in coding exon 19 of the RB1 gene, results from a C to G substitution at nucleotide position 1937. The serine at codon 646 is replaced by cysteine, an amino acid with dissimilar properties. This amino acid position is highly conserved in available vertebrate species. In addition, this alteration is predicted to be deleterious by in silico analysis. Based on the available evidence, the clinical significance of this variant remains unclear.

NM_000321.3(RB1):c.1937C>G (p.Ser646Cys)

Gene: RB1 (RB transcriptional corepressor 1; plus strand). Cytogenetic location: 13q14.2.
Variant type: single nucleotide variant.
Coding change: c.1937C>G on transcript NM_000321.3 (MANE Select); coding-DNA position 1937, C replaced by G.
Protein change: p.Ser646Cys; replaces serine 646 with cysteine.
Molecular consequence: missense variant.
Genome position (GRCh38, 1-based): chr13:48,456,326, C>G. VCF-style: chr13-48456326-C-G. GRCh37 (hg19) VCF-style: chr13-49030462-C-G.
Other names: short protein forms S646C.
Identifiers: ClinVar variation 1496804 (VCV001496804.11), dbSNP rs1173892082, ClinGen allele CA388166215.